The following is an entry in ClinVar:

ClinVar aggregate classification (germline): Uncertain significance (1 of 4 stars; one submission).

Conditions:
Dilated cardiomyopathy 1DD (CMD1DD). Identifiers: Orphanet 154, MedGen C2750995, MONDO:0013168, OMIM 613172.

gnomAD v4.1: 1 of 1,551,734 alleles (0.000064%); highest among the groups gnomAD compares: Non-Finnish European, 0.000087%; no homozygotes.

Submission:

Labcorp Genetics (formerly Invitae), Labcorp
Classification: Uncertain significance for Dilated cardiomyopathy 1DD. Last evaluated: 2024-02-18. Review status: criteria provided, single submitter. Criteria: Invitae Variant Classification Sherloc (09022015). Collection method: clinical testing. Allele origin: germline.
Comment: This sequence change replaces serine, which is neutral and polar, with proline, which is neutral and non-polar, at codon 236 of the RBM20 protein (p.Ser236Pro). This variant is not present in population databases (gnomAD no frequency). This variant has not been reported in the literature in individuals affected with RBM20-related conditions. Advanced modeling of protein sequence and biophysical properties (such as structural, functional, and spatial information, amino acid conservation, physicochemical variation, residue mobility, and thermodynamic stability) performed at Invitae indicates that this missense variant is not expected to disrupt RBM20 protein function with a negative predictive value of 95%. In summary, the available evidence is currently insufficient to determine the role of this variant in disease. Therefore, it has been classified as a Variant of Uncertain Significance.

NM_001134363.3(RBM20):c.706T>C (p.Ser236Pro)

Gene: RBM20 (RNA binding motif protein 20; plus strand). Cytogenetic location: 10q25.2.
Variant type: single nucleotide variant.
Coding change: c.706T>C on transcript NM_001134363.3 (MANE Select); coding-DNA position 706, T replaced by C.
Protein change: p.Ser236Pro; replaces serine 236 with proline.
Molecular consequence: missense variant.
Genome position (GRCh38, 1-based): chr10:110,781,315, T>C. VCF-style: chr10-110781315-T-C. GRCh37 (hg19) VCF-style: chr10-112541073-T-C.
Other names: short protein forms S236P.
Identifiers: ClinVar variation 3636960 (VCV003636960.2).